The following is an entry in ClinVar:

NM_002439.5(MSH3):c.419T>C (p.Phe140Ser)

Gene: MSH3 (mutS homolog 3; plus strand). Cytogenetic location: 5q14.1.
Variant type: single nucleotide variant.
Coding change: c.419T>C on transcript NM_002439.5 (MANE Select); coding-DNA position 419, T replaced by C.
Protein change: p.Phe140Ser; replaces phenylalanine 140 with serine.
Molecular consequence: missense variant.
Genome position (GRCh38, 1-based): chr5:80,665,203, T>C. VCF-style: chr5-80665203-T-C. GRCh37 (hg19) VCF-style: chr5-79961022-T-C.
Other names: short protein forms F140S.
Identifiers: ClinVar variation 2446930 (VCV002446930.3), dbSNP rs755863687, ClinGen allele CA360263287.
Genomic context (GRCh38, chr5:80,665,203, plus strand): 5'-AGCCAAAGAAATGTCTGAGGACCAGGAATGTTTCAAAGTCTCTGGAAAAATTGAAAGAAT[T>C]CTGCTGCGATTCTGCCCTTCCTCAAAGTAGAGTCCAGACAGAATCTCTGCAGGAGAGATT-3'
Protein context (NP_002430.3, residues 130-150): VSKSLEKLKE[Phe140Ser]CCDSALPQSR

ClinVar aggregate classification (germline): Uncertain significance (1 of 4 stars; one submission).

Conditions:
Hereditary cancer-predisposing syndrome. Also called: Neoplastic Syndromes, Hereditary; Hereditary Cancer Syndrome; Tumor predisposition; Hereditary neoplastic syndrome. Identifiers: Orphanet 140162, MedGen C0027672, MeSH D009386, MONDO:0015356.

Submission:

Ambry Genetics
Classification: Uncertain significance for Hereditary cancer-predisposing syndrome. Last evaluated: 2025-01-24. Review status: criteria provided, single submitter. Criteria: Ambry Variant Classification Scheme 2023. Collection method: clinical testing. Allele origin: germline.
Comment: The p.F140S variant (also known as c.419T>C), located in coding exon 3 of the MSH3 gene, results from a T to C substitution at nucleotide position 419. The phenylalanine at codon 140 is replaced by serine, an amino acid with highly dissimilar properties. This amino acid position is highly conserved in available vertebrate species. In addition, the in silico prediction for this alteration is inconclusive. Based on the available evidence, the clinical significance of this variant remains unclear.